The following is an entry in ClinVar:

ClinVar aggregate classification (germline): Uncertain significance. Review status: criteria provided, multiple submitters, no conflicts (2 of 4 stars). 2 submissions from 2 submitters: Uncertain significance (2). Last evaluated 2023-12-07.

Conditions:
Cardiovascular phenotype. Identifiers: MedGen CN230736.

Allele frequency attached by ClinVar (database versions not stated): gnomAD exomes below 0.00001; TOPMed below 0.00001.
gnomAD v4.1: 1 of 1,550,400 alleles (0.000064%); highest among the groups gnomAD compares: South Asian, 0.0012%; no homozygotes.

Submissions (2):

Labcorp Genetics (formerly Invitae), Labcorp
Classification: Uncertain significance. Last evaluated: 2023-12-07. Review status: criteria provided, single submitter. Criteria: Invitae Variant Classification Sherloc (09022015). Collection method: clinical testing. Allele origin: germline.
Comment: This sequence change replaces cysteine, which is neutral and slightly polar, with tyrosine, which is neutral and polar, at codon 1224 of the ZNF469 protein (p.Cys1224Tyr). This variant is not present in population databases (gnomAD no frequency). This variant has not been reported in the literature in individuals affected with ZNF469-related conditions. ClinVar contains an entry for this variant (Variation ID: 2005811). Algorithms developed to predict the effect of missense changes on protein structure and function output the following: SIFT: "Not Available"; PolyPhen-2: "Benign"; Align-GVGD: "Not Available". The tyrosine amino acid residue is found in multiple mammalian species, which suggests that this missense change does not adversely affect protein function. In summary, the available evidence is currently insufficient to determine the role of this variant in disease. Therefore, it has been classified as a Variant of Uncertain Significance.

Ambry Genetics
Classification: Uncertain significance for Cardiovascular phenotype. Last evaluated: 2022-12-06. Review status: criteria provided, single submitter. Criteria: Ambry Variant Classification Scheme 2023. Collection method: clinical testing. Allele origin: germline.
Comment: The p.C1224Y variant (also known as c.3671G>A), located in coding exon 2 of the ZNF469 gene, results from a G to A substitution at nucleotide position 3671. The cysteine at codon 1224 is replaced by tyrosine, an amino acid with highly dissimilar properties. This amino acid position is conserved. In addition, this alteration is predicted to be tolerated by in silico analysis. Since supporting evidence is limited at this time, the clinical significance of this alteration remains unclear.

NM_001367624.2(ZNF469):c.3755G>A (p.Cys1252Tyr)

Gene: ZNF469 (zinc finger protein 469; plus strand). Cytogenetic location: 16q24.2.
Variant type: single nucleotide variant.
Coding change: c.3755G>A on transcript NM_001367624.2 (MANE Select); coding-DNA position 3755, G replaced by A.
Protein change: p.Cys1252Tyr; replaces cysteine 1252 with tyrosine.
Molecular consequence: missense variant.
Genome position (GRCh38, 1-based): chr16:88,431,225, G>A. VCF-style: chr16-88431225-G-A. GRCh37 (hg19) VCF-style: chr16-88497633-G-A.
Other names: NM_001127464.1:c.3671G>A; short protein forms C1252Y.
Identifiers: ClinVar variation 2005811 (VCV002005811.6), dbSNP rs1296256581, ClinGen allele CA397086645.
Genomic context (GRCh38, chr16:88,431,225, plus strand): 5'-AAGAGTCAGCCCCGGACAGCACAGAATTCACAGAGGCTTTGCGTTCTCCTCCAGCCGCCT[G>A]TGCGGGAGAAATGGGAGCAAGCCCCGGTCTCCTGATACCAGAGCAGCCGCCGCCCAGCAG-3'
Protein context (NP_001354553.1, residues 1242-1262): TEALRSPPAA[Cys1252Tyr]AGEMGASPGL